The following is an entry in ClinVar:

ClinVar aggregate classification (germline): Uncertain significance. Review status: criteria provided, multiple submitters, no conflicts (2 of 4 stars). 2 submissions from 2 submitters: Uncertain significance (2). Last evaluated 2025-06-10.

Conditions:
Inborn genetic diseases. Identifiers: MedGen C0950123, MeSH D030342.

gnomAD v4.1: 22 of 1,613,172 alleles (0.0014%); highest among the groups gnomAD compares: Admixed American, 0.005%; no homozygotes.

Submissions (2):

Labcorp Genetics (formerly Invitae), Labcorp
Classification: Uncertain significance. Last evaluated: 2025-06-10. Review status: criteria provided, single submitter. Criteria: Invitae Variant Classification Sherloc (09022015). Collection method: clinical testing. Allele origin: germline.
Comment: This sequence change replaces lysine, which is basic and polar, with arginine, which is basic and polar, at codon 660 of the DLL1 protein (p.Lys660Arg). This variant is present in population databases (rs777601538, gnomAD 0.009%). This variant has not been reported in the literature in individuals affected with DLL1-related conditions. ClinVar contains an entry for this variant (Variation ID: 3703406). An algorithm developed to predict the effect of missense changes on protein structure and function (PolyPhen-2) suggests that this variant is likely to be tolerated. In summary, the available evidence is currently insufficient to determine the role of this variant in disease. Therefore, it has been classified as a Variant of Uncertain Significance.

Ambry Genetics
Classification: Uncertain significance for Inborn genetic diseases. Last evaluated: 2025-05-19. Review status: criteria provided, single submitter. Criteria: Ambry Variant Classification Scheme 2023. Collection method: clinical testing. Allele origin: germline.

NM_005618.4(DLL1):c.1979A>G (p.Lys660Arg)

Genes: DLL1 (delta like canonical Notch ligand 1; minus strand), LOC126859913 (P300/CBP strongly-dependent group 1 enhancer GRCh37_chr6:170591232-170592431; plus strand). Cytogenetic location: 6q27.
Variant type: single nucleotide variant.
Coding change: c.1979A>G on transcript NM_005618.4 (MANE Select); coding-DNA position 1979, A replaced by G.
Protein change: p.Lys660Arg; replaces lysine 660 with arginine.
Molecular consequence: missense variant.
Genome position (GRCh38, 1-based): chr6:170,283,300, T>C on the plus strand (A>G on the coding strand, the complement: DLL1 is on the minus strand). VCF-style: chr6-170283300-T-C. GRCh37 (hg19) VCF-style: chr6-170592388-T-C.
Other names: c.1979A>G (NM_005618.3); short protein forms K660R.
Identifiers: ClinVar variation 3703406 (VCV003703406.3).
Genomic context (GRCh38, chr6:170,283,300, plus strand): 5'-GTGGTCGGGGTCCCCTTCTCCTCCCCTGAGGAGCCCTGGGGCTGGCACTTGGTGTCACGC[T>C]TGCTGTGCGCGTCCCTGACGGCGGTGTCGTCACCCTTGAGGTCCTGCACGAGGTTATAGT-3'
Protein context (NP_005609.3, residues 650-670): DDTAVRDAHS[Lys660Arg]RDTKCQPQGS